The following is an entry in ClinVar:

NM_001126108.2(SLC12A3):c.2038-3C>G

Gene: SLC12A3 (solute carrier family 12 member 3; plus strand). Cytogenetic location: 16q13.
Variant type: single nucleotide variant.
Coding change: c.2038-3C>G on transcript NM_001126108.2 (MANE Select); 3 bases into the intron before coding-DNA position 2038, C replaced by G.
Molecular consequence: intron variant.
Genome position (GRCh38, 1-based): chr16:56,886,950, C>G. VCF-style: chr16-56886950-C-G. GRCh37 (hg19) VCF-style: chr16-56920862-C-G.
Other names: c.2038-3C>G (NM_000339.3); c.2035-3C>G (NM_001126107.2).
Identifiers: ClinVar variation 1489477 (VCV001489477.7), dbSNP rs2144729897, ClinGen allele CA2573152368.

ClinVar aggregate classification (germline): Uncertain significance. Review status: criteria provided, multiple submitters, no conflicts (2 of 4 stars). 2 submissions from 2 submitters: Uncertain significance (2). Last evaluated 2023-03-23.

Submissions (2):

Blueprint Genetics
Classification: Uncertain significance. Last evaluated: 2023-03-23. Review status: criteria provided, single submitter. Criteria: ACMG Guidelines, 2015. Collection method: clinical testing. Allele origin: germline.

Labcorp Genetics (formerly Invitae), Labcorp
Classification: Uncertain significance. Last evaluated: 2021-07-18. Review status: criteria provided, single submitter. Criteria: Invitae Variant Classification Sherloc (09022015). Collection method: clinical testing. Allele origin: germline.
Comment: In summary, the available evidence is currently insufficient to determine the role of this variant in disease. Therefore, it has been classified as a Variant of Uncertain Significance. Nucleotide substitutions within the consensus splice site are a relatively common cause of aberrant splicing (PMID: 17576681, 9536098). Algorithms developed to predict the effect of sequence changes on RNA splicing suggest that this variant may disrupt the consensus splice site. This variant has not been reported in the literature in individuals affected with SLC12A3-related conditions. This variant is not present in population databases (ExAC no frequency). This sequence change falls in intron 16 of the SLC12A3 gene. It does not directly change the encoded amino acid sequence of the SLC12A3 protein. It affects a nucleotide within the consensus splice site of the intron.

Literature cited by the submitters: PubMed 17576681 (cited by Labcorp Genetics (formerly Invitae), Labcorp); PubMed 9536098 (cited by Labcorp Genetics (formerly Invitae), Labcorp).